The following is an entry in ClinVar:

ClinVar aggregate classification (germline): Uncertain significance (1 of 4 stars; one submission).

Conditions:
Hereditary breast ovarian cancer syndrome. Also called: Hereditary breast and ovarian cancer syndrome; Hereditary breast and ovarian cancer syndrome (HBOC); BRCA1- and BRCA2-Associated Hereditary Breast and Ovarian Cancer; Hereditary breast and ovarian cancer; Breast and ovarian cancer; Hereditary breast and/or ovarian cancer syndrome. Identifiers: Orphanet 145, MedGen C0677776, MeSH D061325, MONDO:0003582. Disease mechanism: loss of function.

Submission:

Labcorp Genetics (formerly Invitae), Labcorp
Classification: Uncertain significance for Hereditary breast ovarian cancer syndrome. Last evaluated: 2024-10-21. Review status: criteria provided, single submitter. Criteria: Invitae Variant Classification Sherloc (09022015). Collection method: clinical testing. Allele origin: germline.
Comment: This sequence change replaces leucine, which is neutral and non-polar, with isoleucine, which is neutral and non-polar, at codon 574 of the BRCA1 protein (p.Leu574Ile). This variant is not present in population databases (gnomAD no frequency). This variant has not been reported in the literature in individuals affected with BRCA1-related conditions. Invitae Evidence Modeling of protein sequence and biophysical properties (such as structural, functional, and spatial information, amino acid conservation, physicochemical variation, residue mobility, and thermodynamic stability) indicates that this missense variant is expected to disrupt BRCA1 protein function with a positive predictive value of 80%. In summary, the available evidence is currently insufficient to determine the role of this variant in disease. Therefore, it has been classified as a Variant of Uncertain Significance.

NM_007294.4(BRCA1):c.1720C>A (p.Leu574Ile)

Gene: BRCA1 (BRCA1 DNA repair associated; minus strand). Cytogenetic location: 17q21.31.
Variant type: single nucleotide variant.
Coding change: c.1720C>A on transcript NM_007294.4 (MANE Select); coding-DNA position 1720, C replaced by A.
Protein change: p.Leu574Ile; replaces leucine 574 with isoleucine.
Molecular consequence: missense variant. On other transcripts: intron variant (137).
Genome position (GRCh38, 1-based): chr17:43,093,811, G>T on the plus strand (C>A on the coding strand, the complement: BRCA1 is on the minus strand). VCF-style: chr17-43093811-G-T. GRCh37 (hg19) VCF-style: chr17-41245828-G-T.
Other names: c.1579C>A, p.Leu527Ile (NM_001407739.1, NM_001407750.1, NM_001407751.1 and 29 more transcripts); c.1576C>A, p.Leu526Ile (NM_001407740.1, NM_001407741.1, NM_001407742.1 and 20 more transcripts); c.1507C>A, p.Leu503Ile (NM_001407571.1, NM_001407853.1, NM_001407894.1 and 9 more transcripts); c.1720C>A, p.Leu574Ile (NM_001407581.1, NM_001407582.1, NM_001407583.1 and 30 more transcripts); c.1717C>A, p.Leu573Ile (NM_001407587.1, NM_001407590.1, NM_001407591.1 and 22 more transcripts); c.1711C>A, p.Leu571Ile (NM_001407646.1, NM_001407647.1); c.1597C>A, p.Leu533Ile (NM_001407648.1, NM_001407664.1, NM_001407665.1 and 19 more transcripts); c.1594C>A, p.Leu532Ile (NM_001407649.1, NM_001407670.1, NM_001407671.1 and 11 more transcripts); and 40 more; short protein forms L406I, L447I, L504I, L507I, L548I, L571I, L526I, L533I.
Identifiers: ClinVar variation 3634686 (VCV003634686.2).